The following is an entry in ClinVar:

ClinVar aggregate classification (germline): Pathogenic/Likely pathogenic. Review status: criteria provided, multiple submitters, no conflicts (2 of 4 stars). 3 submissions from 3 submitters: Pathogenic (2); Likely pathogenic (1). Last evaluated 2024-02-14.

Conditions:
Mucopolysaccharidosis type 6 (MPS6). Also called: N-ACETYLGALACTOSAMINE-4-SULFATASE DEFICIENCY; MPS VI; MPS 6; Maroteaux Lamy syndrome; ARSB DEFICIENCY; ARYLSULFATASE B DEFICIENCY. Identifiers: Orphanet 583, MedGen C0026709, MONDO:0009661, OMIM 253200.

Submissions (3):

Labcorp Genetics (formerly Invitae), Labcorp
Classification: Pathogenic for Mucopolysaccharidosis type 6. Last evaluated: 2024-02-14. Review status: criteria provided, single submitter. Criteria: Invitae Variant Classification Sherloc (09022015). Collection method: clinical testing. Allele origin: germline.
Comment: This sequence change creates a premature translational stop signal (p.Tyr255*) in the ARSB gene. It is expected to result in an absent or disrupted protein product. Loss-of-function variants in ARSB are known to be pathogenic (PMID: 17458871, 22133300). This variant is not present in population databases (gnomAD no frequency). This premature translational stop signal has been observed in individual(s) with mucopolysaccharidosis type VI (PMID: 15603718). It has also been observed to segregate with disease in related individuals. ClinVar contains an entry for this variant (Variation ID: 559812). For these reasons, this variant has been classified as Pathogenic.

Women's Health and Genetics/Laboratory Corporation of America, LabCorp
Classification: Pathogenic for Mucopolysaccharidosis type 6. Last evaluated: 2019-10-17. Review status: criteria provided, single submitter. Criteria: LabCorp Variant Classification Summary - May 2015. Collection method: clinical testing. Allele origin: germline.
Comment: Variant summary: ARSB c.765T>A (p.Tyr255X) results in a premature termination codon, predicted to cause a truncation of the encoded protein or absence of the protein due to nonsense mediated decay, which are commonly known mechanisms for disease. The variant was absent in 251380 control chromosomes (gnomAD). c.765T>A has been reported in the literature in individuals affected with Mucopolysaccharidosis Type VI (Maroteaux-Lamy Syndrome)(But_2011, Tomanin_2018, Lam_2004). These data indicate that the variant is likely to be associated with disease. To our knowledge, no experimental evidence demonstrating an impact on protein function has been reported. A ClinVar submission (evaluation after 2014) cite the variant as likely pathogenic. Based on the evidence outlined above, the variant was classified as pathogenic.

Laboratory of Diagnosis and Therapy of Lysosomal Disorders, University of Padova
Classification: Likely pathogenic for Mucopolysaccharidosis type 6. Last evaluated: 2018-01-01. Review status: criteria provided, single submitter. Criteria: ACMG Guidelines, 2015. Collection method: curation. Allele origin: germline. Affected: yes.
Comment: Nonsense variant (PVS1); Absent from GnomAD (PM2)

Literature cited by the submitters: PubMed 17458871 (cited by Labcorp Genetics (formerly Invitae), Labcorp); PubMed 22133300 (cited by Labcorp Genetics (formerly Invitae), Labcorp); PubMed 15603718 (cited by 3 submitters); PubMed 21813902 (cited by Women's Health and Genetics/Laboratory Corporation of America, LabCorp and Laboratory of Diagnosis and Therapy of Lysosomal Disorders, University of Padova); PubMed 30118150 (cited by Women's Health and Genetics/Laboratory Corporation of America, LabCorp and Laboratory of Diagnosis and Therapy of Lysosomal Disorders, University of Padova); PubMed 25190157 (cited by Laboratory of Diagnosis and Therapy of Lysosomal Disorders, University of Padova).

NM_000046.5(ARSB):c.765T>A (p.Tyr255Ter)

Gene: ARSB (arylsulfatase B; minus strand). Cytogenetic location: 5q14.1.
Variant type: single nucleotide variant.
Coding change: c.765T>A on transcript NM_000046.5 (MANE Select); coding-DNA position 765, T replaced by A.
Protein change: p.Tyr255Ter; replaces tyrosine 255 with a stop codon.
Molecular consequence: nonsense.
Genome position (GRCh38, 1-based): chr5:78,955,428, A>T on the plus strand (T>A on the coding strand, the complement: ARSB is on the minus strand). VCF-style: chr5-78955428-A-T. GRCh37 (hg19) VCF-style: chr5-78251251-A-T.
Other names: c.765T>A, p.Tyr255Ter (NM_198709.3); short protein forms Y255*.
Identifiers: ClinVar variation 559812 (VCV000559812.8), dbSNP rs1554086414, ClinGen allele CA360192191.